The following is an entry in ClinVar:

ClinVar aggregate classification (germline): Uncertain significance (1 of 4 stars; one submission).

Conditions:
Leukocyte adhesion deficiency type II. Also called: CONGENITAL DISORDER OF GLYCOSYLATION, TYPE IIc; CDG IIc; Congenital disorder of glycosylation type 2C; CDG 2C; Leukocyte adhesion deficiency type 2; Rambam Hasharon syndrome. Identifiers: Orphanet 2968, Orphanet 99843, MedGen C0398739, MONDO:0009953, OMIM 266265.

Allele frequency attached by ClinVar (database versions not stated): gnomAD below 0.00001.
gnomAD v4.1: 33 of 1,612,190 alleles (0.002%); highest among the groups gnomAD compares: South Asian, 0.032%; no homozygotes.

Submission:

Labcorp Genetics (formerly Invitae), Labcorp
Classification: Uncertain significance for Leukocyte adhesion deficiency type II. Last evaluated: 2021-09-01. Review status: criteria provided, single submitter. Criteria: Invitae Variant Classification Sherloc (09022015). Collection method: clinical testing. Allele origin: germline.
Comment: This sequence change replaces aspartic acid with glutamic acid at codon 224 of the SLC35C1 protein (p.Asp224Glu). The aspartic acid residue is moderately conserved and there is a small physicochemical difference between aspartic acid and glutamic acid. This variant is present in population databases (rs528291665, ExAC 0.05%). This variant has not been reported in the literature in individuals affected with SLC35C1-related conditions. Algorithms developed to predict the effect of missense changes on protein structure and function output the following: SIFT: "Tolerated"; PolyPhen-2: "Benign"; Align-GVGD: "Class C0". The glutamic acid amino acid residue is found in multiple mammalian species, which suggests that this missense change does not adversely affect protein function. In summary, the available evidence is currently insufficient to determine the role of this variant in disease. Therefore, it has been classified as a Variant of Uncertain Significance.

NM_018389.5(SLC35C1):c.672C>G (p.Asp224Glu)

Gene: SLC35C1 (solute carrier family 35 member C1; plus strand). Cytogenetic location: 11p11.2.
Variant type: single nucleotide variant.
Coding change: c.672C>G on transcript NM_018389.5 (MANE Select); coding-DNA position 672, C replaced by G.
Protein change: p.Asp224Glu; replaces aspartic acid 224 with glutamic acid.
Molecular consequence: missense variant.
Genome position (GRCh38, 1-based): chr11:45,810,912, C>G. VCF-style: chr11-45810912-C-G. GRCh37 (hg19) VCF-style: chr11-45832463-C-G.
Other names: c.633C>G, p.Asp211Glu (NM_001145265.2, NM_001145266.2); short protein forms D224E, D211E.
Identifiers: ClinVar variation 461478 (VCV000461478.6), dbSNP rs528291665, ClinGen allele CA5958309.